The following is an entry in ClinVar:

NM_016729.3(FOLR1):c.415T>C (p.Cys139Arg)

Genes: FOLR1 (folate receptor alpha; plus strand), FOLR1-AS1 (FOLR1 antisense RNA 1; minus strand). Cytogenetic location: 11q13.4.
Variant type: single nucleotide variant.
Coding change: c.415T>C on transcript NM_016729.3 (MANE Select); coding-DNA position 415, T replaced by C.
Protein change: p.Cys139Arg; replaces cysteine 139 with arginine.
Molecular consequence: missense variant.
Genome position (GRCh38, 1-based): chr11:72,195,669, T>C. VCF-style: chr11-72195669-T-C. GRCh37 (hg19) VCF-style: chr11-71906713-T-C.
Other names: c.415T>C, p.Cys139Arg (NM_000802.3, NM_016724.3, NM_016725.3); short protein forms C139R.
Identifiers: ClinVar variation 1004213 (VCV001004213.8), dbSNP rs772484521, ClinGen allele CA381733315.

ClinVar aggregate classification (germline): Uncertain significance. Review status: criteria provided, multiple submitters, no conflicts (2 of 4 stars). 2 submissions from 2 submitters: Uncertain significance (2). Last evaluated 2021-08-12.

Conditions:
Inborn genetic diseases. Identifiers: MedGen C0950123, MeSH D030342.
Cerebral folate transport deficiency. Also called: FOLATE RECEPTOR DEFICIENCY; Cerebral folate deficiency syndrome; NEURODEGENERATION DUE TO CEREBRAL FOLATE TRANSPORT DEFICIENCY; Neurodegenerative syndrome due to cerebral folate transport deficiency; FOLR1-Related Cerebral Folate Transport Deficiency. Identifiers: Orphanet 217382, MedGen C2751584, MONDO:0013110, OMIM 613068. Disease mechanism: loss of function.

gnomAD v4.1: 4 of 1,614,186 alleles (0.00025%); highest among the groups gnomAD compares: Non-Finnish European, 0.00034%; no homozygotes.

Submissions (2):

Labcorp Genetics (formerly Invitae), Labcorp
Classification: Uncertain significance for Cerebral folate transport deficiency. Last evaluated: 2021-08-12. Review status: criteria provided, single submitter. Criteria: Invitae Variant Classification Sherloc (09022015). Collection method: clinical testing. Allele origin: germline.
Comment: This sequence change replaces cysteine with arginine at codon 139 of the FOLR1 protein (p.Cys139Arg). The cysteine residue is highly conserved and there is a large physicochemical difference between cysteine and arginine. This variant is not present in population databases (ExAC no frequency). This missense change has been observed in individual(s) with clinical features of FOLR1-related conditions (Invitae). Algorithms developed to predict the effect of missense changes on protein structure and function are either unavailable or do not agree on the potential impact of this missense change (SIFT: "Deleterious"; PolyPhen-2: "Probably Damaging"; Align-GVGD: "Class C0"). In summary, the available evidence is currently insufficient to determine the role of this variant in disease. Therefore, it has been classified as a Variant of Uncertain Significance.

Ambry Genetics
Classification: Uncertain significance for Inborn genetic diseases. Last evaluated: 2017-11-29. Review status: criteria provided, single submitter. Criteria: Ambry Variant Classification Scheme 2023. Collection method: clinical testing. Allele origin: germline.
Comment: The p.C139R variant (also known as c.415T>C), located in coding exon 3 of the FOLR1 gene, results from a T to C substitution at nucleotide position 415. The cysteine at codon 139 is replaced by arginine, an amino acid with highly dissimilar properties. This amino acid position is highly conserved in available vertebrate species. In addition, this alteration is predicted to be deleterious by in silico analysis. Since supporting evidence is limited at this time, the clinical significance of this alteration remains unclear.